The following is an entry in ClinVar:

ClinVar aggregate classification (germline): Uncertain significance (1 of 4 stars; one submission).

Conditions:
Bethlem myopathy 1A. Also called: Bethlem Muscular Dystrophy; Bethlem myopathy 1; MYOPATHY, BENIGN CONGENITAL, WITH CONTRACTURES. Identifiers: Orphanet 610, MedGen CN029274, MONDO:0024530, OMIM 158810.

Submission:

Labcorp Genetics (formerly Invitae), Labcorp
Classification: Uncertain significance for Bethlem myopathy 1A. Last evaluated: 2022-06-16. Review status: criteria provided, single submitter. Criteria: Invitae Variant Classification Sherloc (09022015). Collection method: clinical testing. Allele origin: germline.
Comment: Advanced modeling of protein sequence and biophysical properties (such as structural, functional, and spatial information, amino acid conservation, physicochemical variation, residue mobility, and thermodynamic stability) performed at Invitae indicates that this missense variant is not expected to disrupt COL6A1 protein function. In summary, the available evidence is currently insufficient to determine the role of this variant in disease. Therefore, it has been classified as a Variant of Uncertain Significance. This variant has not been reported in the literature in individuals affected with COL6A1-related conditions. This variant is not present in population databases (gnomAD no frequency). This sequence change replaces glutamic acid, which is acidic and polar, with aspartic acid, which is acidic and polar, at codon 429 of the COL6A1 protein (p.Glu429Asp).

NM_001848.3(COL6A1):c.1287G>T (p.Glu429Asp)

Gene: COL6A1 (collagen type VI alpha 1 chain; plus strand). Cytogenetic location: 21q22.3.
Variant type: single nucleotide variant.
Coding change: c.1287G>T on transcript NM_001848.3 (MANE Select); coding-DNA position 1287, G replaced by T.
Protein change: p.Glu429Asp; replaces glutamic acid 429 with aspartic acid.
Molecular consequence: missense variant.
Genome position (GRCh38, 1-based): chr21:45,992,762, G>T. VCF-style: chr21-45992762-G-T. GRCh37 (hg19) VCF-style: chr21-47412676-G-T.
Other names: short protein forms E429D.
Identifiers: ClinVar variation 2158231 (VCV002158231.4), dbSNP rs1326051791, ClinGen allele CA410525954.